The following is an entry in ClinVar:

NM_001909.5(CTSD):c.828-5C>T

Gene: CTSD (cathepsin D; minus strand). Cytogenetic location: 11p15.5.
Variant type: single nucleotide variant.
Coding change: c.828-5C>T on transcript NM_001909.5 (MANE Select); 5 bases into the intron before coding-DNA position 828, C replaced by T.
Molecular consequence: intron variant.
Genome position (GRCh38, 1-based): chr11:1,754,143, G>A on the plus strand (C>T on the coding strand, the complement: CTSD is on the minus strand). VCF-style: chr11-1754143-G-A. GRCh37 (hg19) VCF-style: chr11-1775373-G-A.
Identifiers: ClinVar variation 380425 (VCV000380425.16), dbSNP rs762444592, ClinGen allele CA5814007.

ClinVar aggregate classification (germline): Conflicting classifications of pathogenicity. Review status: criteria provided, conflicting classifications (1 of 4 stars). 5 submissions from 5 submitters: Uncertain significance (1); Likely benign (3). 1 of the submissions does not count toward it. Last evaluated 2025-04-14.

Conditions:
Neuronal ceroid lipofuscinosis. Also called: Neuronal Ceroid Lipofuscinoses. Identifiers: Orphanet 216, Orphanet 79263, MedGen C0027877, MONDO:0016295. Disease mechanism: loss of function.
CTSD-related disorder. Also called: CTSD-related condition.
Inborn genetic diseases. Identifiers: MedGen C0950123, MeSH D030342.

Allele frequency attached by ClinVar (database versions not stated): TOPMed 0.00001; gnomAD 0.00003; gnomAD exomes 0.00003; ExAC 0.00004.
gnomAD v4.1: 96 of 1,607,092 alleles (0.006%); highest among the groups gnomAD compares: African/African-American, 0.008%; no homozygotes.

Submissions (5):

Labcorp Genetics (formerly Invitae), Labcorp
Classification: Likely benign for Neuronal ceroid lipofuscinosis. Last evaluated: 2025-04-14. Review status: criteria provided, single submitter. Criteria: Invitae Variant Classification Sherloc (09022015). Collection method: clinical testing. Allele origin: germline.

Blueprint Genetics
Classification: Likely benign. Last evaluated: 2023-10-17. Review status: criteria provided, single submitter. Criteria: ACMG Guidelines, 2015. Collection method: clinical testing. Allele origin: germline.

Ambry Genetics
Classification: Uncertain significance for Inborn genetic diseases. Last evaluated: 2018-11-16. Review status: criteria provided, single submitter. Criteria: Ambry Variant Classification Scheme 2023. Collection method: clinical testing. Allele origin: germline.
Comment: The c.828-5C>T intronic variant results from a C to T substitution 5 nucleotides upstream from coding exon 7 in the CTSD gene. This nucleotide position is not well conserved in available vertebrate species. Using the BDGP and ESEfinder splice site prediction tools, this alteration is not predicted to have any significant effect on this splice acceptor site; however, direct evidence is unavailable. Since supporting evidence is limited at this time, the clinical significance of this alteration remains unclear.

GeneDx
Classification: Likely benign. Last evaluated: 2016-01-29. Review status: criteria provided, single submitter. Criteria: GeneDx Variant Classification (06012015). Collection method: clinical testing. Allele origin: germline. Affected: yes.
Comment: This variant is considered likely benign or benign based on one or more of the following criteria: it is a conservative change, it occurs at a poorly conserved position in the protein, it is predicted to be benign by multiple in silico algorithms, and/or has population frequency not consistent with disease.

PreventionGenetics, part of Exact Sciences
Classification: Likely benign for CTSD-related condition. Last evaluated: 2019-10-25. Review status: no assertion criteria provided. Collection method: clinical testing. Allele origin: germline. Not counted in ClinVar's aggregate classification.
Comment: This variant is classified as likely benign based on ACMG/AMP sequence variant interpretation guidelines (Richards et al. 2015 PMID: 25741868, with internal and published modifications).